The following is an entry in ClinVar:

NM_001999.4(FBN2):c.1862G>A (p.Cys621Tyr)

Gene: FBN2 (fibrillin 2; minus strand). Cytogenetic location: 5q23.3.
Variant type: single nucleotide variant.
Coding change: c.1862G>A on transcript NM_001999.4 (MANE Select); coding-DNA position 1862, G replaced by A.
Protein change: p.Cys621Tyr; replaces cysteine 621 with tyrosine.
Molecular consequence: missense variant.
Genome position (GRCh38, 1-based): chr5:128,376,841, C>T on the plus strand (G>A on the coding strand, the complement: FBN2 is on the minus strand). VCF-style: chr5-128376841-C-T. GRCh37 (hg19) VCF-style: chr5-127712534-C-T.
Other names: short protein forms C621Y.
Identifiers: ClinVar variation 934503 (VCV000934503.1), dbSNP rs1752093236, ClinGen allele CA360742178.
Genomic context (GRCh38, chr5:128,376,841, plus strand): 5'-CACTTGAAGCTGCCATCTTCATTGATGCACATTCCATTCAAACACATGTTGGTAGTTGTA[C>T]ATTCATCATGATCTGCAGAAGAGGATTGAGTGACTTTGAACACTGGCCTTGAGGGAACCA-3'
Protein context (NP_001990.2, residues 611-631): DGKNCVDHDE[Cys621Tyr]TTTNMCLNGM

ClinVar aggregate classification (germline): Uncertain significance (1 of 4 stars; one submission).

Conditions:
Congenital contractural arachnodactyly (CCA). Also called: Beals-Hecht syndrome; BEALS SYNDROME; Arthrogryposis, distal, type 9. Identifiers: Orphanet 115, MedGen C0220668, MONDO:0007363, OMIM 121050.

Submission:

Labcorp Genetics (formerly Invitae), Labcorp
Classification: Uncertain significance for Congenital contractural arachnodactyly. Last evaluated: 2019-08-29. Review status: criteria provided, single submitter. Criteria: Invitae Variant Classification Sherloc (09022015). Collection method: clinical testing. Allele origin: germline.
Comment: This sequence change replaces cysteine with tyrosine at codon 621 of the FBN2 protein (p.Cys621Tyr). The cysteine residue is highly conserved and there is a large physicochemical difference between cysteine and tyrosine. This variant is not present in population databases (ExAC no frequency). This variant has not been reported in the literature in individuals with FBN2-related conditions. Algorithms developed to predict the effect of missense changes on protein structure and function are either unavailable or do not agree on the potential impact of this missense change (SIFT: "Deleterious"; PolyPhen-2: "Possibly Damaging"; Align-GVGD: "Class C0"). In summary, the available evidence is currently insufficient to determine the role of this variant in disease. Therefore, it has been classified as a Variant of Uncertain Significance.